The following is an entry in ClinVar:

ClinVar aggregate classification (germline): Conflicting classifications of pathogenicity. Review status: criteria provided, conflicting classifications (1 of 4 stars). 2 submissions from 2 submitters: Uncertain significance (1); Likely benign (1). Last evaluated 2023-04-04.

Conditions:
Hereditary spastic paraplegia 30. Identifiers: Orphanet 101010, MedGen C5235139, MONDO:0012476.
Neuropathy, hereditary sensory, type 2C. Also called: Hereditary sensory and autonomic neuropathy type IIC; KIF1A-Related HSAN2 (HSAN2C). Identifiers: Orphanet 970, MedGen C3280168, MONDO:0013634, OMIM 614213.
Intellectual disability, autosomal dominant 9 (NESCAVS). Also called: KIF1A-Related Neurodevelopmental Disorder; NESCAV SYNDROME. Identifiers: Orphanet 662367, MedGen C5393830, MONDO:0013656, OMIM 614255.

Allele frequency attached by ClinVar (database versions not stated): gnomAD 0.00001 and 0.00003; gnomAD exomes 0.00001; TOPMed 0.00001.
gnomAD v4.1: 14 of 1,609,392 alleles (0.00087%); highest among the groups gnomAD compares: African/African-American, 0.0013%; no homozygotes.

Submissions (2):

Labcorp Genetics (formerly Invitae), Labcorp
Classification: Likely benign for Hereditary spastic paraplegia 30; Neuropathy, hereditary sensory, type 2C; Intellectual disability, autosomal dominant 9. Last evaluated: 2023-04-04. Review status: criteria provided, single submitter. Criteria: Invitae Variant Classification Sherloc (09022015). Collection method: clinical testing. Allele origin: germline.

GeneDx
Classification: Uncertain significance. Last evaluated: 2017-02-14. Review status: criteria provided, single submitter. Criteria: GeneDx Variant Classification (06012015). Collection method: clinical testing. Allele origin: germline. Affected: yes.
Comment: The c.1809 G>A variant has not been published as a pathogenic variant, nor has it been reported as a benign variant to our knowledge. It was not observed in approximately 6,400 individuals of European and African American ancestry in the NHLBI Exome Sequencing Project, indicating it is not a common benign variant in these populations. In silico analysis predicts that the c.1809 G>A variant may create a weak cryptic splice donor site in exon 19; however, in the absence of RNA/functional studies, the actual effect of this variant is unknown. Therefore, based on the currently available information, it is unclear whether this variant is a pathogenic variant or a rare benign variant.

NM_001244008.2(KIF1A):c.1836G>A (p.Glu612=)

Gene: KIF1A (kinesin family member 1A; minus strand). Cytogenetic location: 2q37.3.
Variant type: single nucleotide variant.
Coding change: c.1836G>A on transcript NM_001244008.2 (MANE Select); coding-DNA position 1836, G replaced by A.
Protein change: p.Glu612=; no amino-acid change (glutamic acid 612 retained).
Molecular consequence: synonymous variant.
Genome position (GRCh38, 1-based): chr2:240,763,279, C>T on the plus strand (G>A on the coding strand, the complement: KIF1A is on the minus strand). VCF-style: chr2-240763279-C-T. GRCh37 (hg19) VCF-style: chr2-241702696-C-T.
Other names: c.1836G>A, p.Glu612= (NM_001320705.2, NM_001330289.2, NM_001379638.1); c.1911G>A, p.Glu637= (NM_001330290.2, NM_001379631.1, NM_001379634.1 and 2 more transcripts); c.1809G>A, p.Glu603= (NM_001379632.1, NM_001379633.1, NM_001379636.1 and 10 more transcripts); c.1884G>A, p.Glu628= (NM_001379637.1, NM_001379648.1).
Identifiers: ClinVar variation 246585 (VCV000246585.13), dbSNP rs879254322, ClinGen allele CA10584192.
Genomic context (GRCh38, chr2:240,763,279, plus strand): 5'-CTGGGCGAAGGCCCAGTCCACAGGCTCAGCTGGCGTCTCCGCACAAGGCGTGCGCTCACG[C>T]TCCTGCCGGGCCTGCTCGGGGTGGTTGAACCGGAACACATGGCTCTTACCCATGATGATG-3'
Protein context (NP_001230937.1, residues 602-622): RFNHPEQARQ[Glu612=]RERTPCAETP